The following is an entry in ClinVar:

ClinVar aggregate classification (germline): Uncertain significance (1 of 4 stars; one submission).

Conditions:
Gorlin syndrome. Also called: Basal cell nevus syndrome; Nevoid Basal Cell Carcinoma Syndrome. Identifiers: Orphanet 377, MedGen C0004779, MONDO:0007187.

Submission:

Labcorp Genetics (formerly Invitae), Labcorp
Classification: Uncertain significance for Gorlin syndrome. Last evaluated: 2022-04-17. Review status: criteria provided, single submitter. Criteria: Invitae Variant Classification Sherloc (09022015). Collection method: clinical testing. Allele origin: germline.
Comment: In summary, the available evidence is currently insufficient to determine the role of this variant in disease. Therefore, it has been classified as a Variant of Uncertain Significance. Advanced modeling of protein sequence and biophysical properties (such as structural, functional, and spatial information, amino acid conservation, physicochemical variation, residue mobility, and thermodynamic stability) performed at Invitae indicates that this missense variant is not expected to disrupt PTCH1 protein function. This variant has not been reported in the literature in individuals affected with PTCH1-related conditions. This variant is not present in population databases (gnomAD no frequency). This sequence change replaces histidine, which is basic and polar, with arginine, which is basic and polar, at codon 739 of the PTCH1 protein (p.His739Arg).

NM_000264.5(PTCH1):c.2216A>G (p.His739Arg)

Genes: PTCH1 (patched 1; minus strand), LOC100507346 (uncharacterized LOC100507346; plus strand). Cytogenetic location: 9q22.32.
Variant type: single nucleotide variant.
Coding change: c.2216A>G on transcript NM_000264.5 (MANE Select); coding-DNA position 2216, A replaced by G.
Protein change: p.His739Arg; replaces histidine 739 with arginine.
Molecular consequence: missense variant. On other transcripts: non-coding transcript variant (2).
Genome position (GRCh38, 1-based): chr9:95,468,785, T>C on the plus strand (A>G on the coding strand, the complement: PTCH1 is on the minus strand). VCF-style: chr9-95468785-T-C. GRCh37 (hg19) VCF-style: chr9-98231067-T-C.
Other names: c.2018A>G, p.His673Arg (NM_001083602.3); c.2213A>G, p.His738Arg (NM_001083603.3); c.1763A>G, p.His588Arg (NM_001083604.3, NM_001083605.3, NM_001083606.3 and 1 more transcripts); c.2060A>G, p.His687Arg (NM_001354918.2); short protein forms H687R, H588R, H738R, H673R, H739R.
Identifiers: ClinVar variation 1916210 (VCV001916210.5), dbSNP rs202033167, ClinGen allele CA374115287.